The following is an entry in ClinVar:

ClinVar aggregate classification (germline): Uncertain significance (1 of 4 stars; one submission).

Conditions:
Kennedy disease (SMAX1). Also called: SPINAL AND BULBAR MUSCULAR ATROPHY, X-LINKED 1; KENNEDY SPINAL AND BULBAR MUSCULAR ATROPHY; Spinal and Bulbar Muscular Atrophy. Identifiers: Orphanet 481, MedGen C1839259, MONDO:0010735, OMIM 313200.
Androgen resistance syndrome (AIS). Also called: DHTR DEFICIENCY; DIHYDROTESTOSTERONE RECEPTOR DEFICIENCY; ANDROGEN RECEPTOR DEFICIENCY; TESTICULAR FEMINIZATION SYNDROME; Androgen insensitivity syndrome; Androgen insensitivity. Identifiers: Orphanet 754, Orphanet 99429, MedGen C0039585, MONDO:0019154, OMIM 300068. Disease mechanism: loss of function.

Submission:

Labcorp Genetics (formerly Invitae), Labcorp
Classification: Uncertain significance for Kennedy disease; Androgen resistance syndrome. Last evaluated: 2024-01-06. Review status: criteria provided, single submitter. Criteria: Invitae Variant Classification Sherloc (09022015). Collection method: clinical testing. Allele origin: germline.
Comment: This sequence change replaces arginine, which is basic and polar, with histidine, which is basic and polar, at codon 727 of the AR protein (p.Arg727His). This variant is present in population databases (rs137852593, gnomAD 0.006%), including at least one homozygous and/or hemizygous individual. This variant has not been reported in the literature in individuals affected with AR-related conditions. Advanced modeling of protein sequence and biophysical properties (such as structural, functional, and spatial information, amino acid conservation, physicochemical variation, residue mobility, and thermodynamic stability) has been performed at Invitae for this missense variant, however the output from this modeling did not meet the statistical confidence thresholds required to predict the impact of this variant on AR protein function. In summary, the available evidence is currently insufficient to determine the role of this variant in disease. Therefore, it has been classified as a Variant of Uncertain Significance.

NM_000044.6(AR):c.2180G>A (p.Arg727His)

Gene: AR (androgen receptor; plus strand). Cytogenetic location: Xq12.
Variant type: single nucleotide variant.
Coding change: c.2180G>A on transcript NM_000044.6 (MANE Select); coding-DNA position 2180, G replaced by A.
Protein change: p.Arg727His; replaces arginine 727 with histidine.
Molecular consequence: missense variant.
Genome position (GRCh38, 1-based): chrX:67,717,484, G>A. VCF-style: chrX-67717484-G-A. GRCh37 (hg19) VCF-style: chrX-66937326-G-A.
Other names: c.584G>A, p.Arg195His (NM_001011645.3); c.2183G>A, p.Arg728His (NM_001424175.1); short protein forms R727H, R195H, R728H.
Identifiers: ClinVar variation 2936340 (VCV002936340.1), dbSNP rs137852593, ClinGen allele CA10436598.